The following is an entry in ClinVar:

NM_001792.5(CDH2):c.172+4C>G

Gene: CDH2 (cadherin 2; minus strand). Cytogenetic location: 18q12.1.
Variant type: single nucleotide variant.
Coding change: c.172+4C>G on transcript NM_001792.5 (MANE Select); 4 bases into the intron after coding-DNA position 172, C replaced by G.
Molecular consequence: intron variant.
Genome position (GRCh38, 1-based): chr18:28,147,669, G>C on the plus strand (C>G on the coding strand, the complement: CDH2 is on the minus strand). VCF-style: chr18-28147669-G-C. GRCh37 (hg19) VCF-style: chr18-25727633-G-C.
Identifiers: ClinVar variation 2000898 (VCV002000898.4), dbSNP rs2510778219, ClinGen allele CA2580095564.
Genomic context (GRCh38, chr18:28,147,669, plus strand): 5'-TAATGGCTAATTTGTTTCATGAGCATGGACACTGCATGTACAAATATATCTTTTGAGATA[G>C]TACCATTGAGAAGAGGCTGTCCTTCATGCACATCCTTCGATAAGACTGCACTGTAAACAT-3'

ClinVar aggregate classification (germline): Uncertain significance (1 of 4 stars; one submission).

Submission:

Labcorp Genetics (formerly Invitae), Labcorp
Classification: Uncertain significance. Last evaluated: 2022-05-30. Review status: criteria provided, single submitter. Criteria: Invitae Variant Classification Sherloc (09022015). Collection method: clinical testing. Allele origin: germline.
Comment: This sequence change falls in intron 2 of the CDH2 gene. It does not directly change the encoded amino acid sequence of the CDH2 protein. It affects a nucleotide within the consensus splice site. This variant is not present in population databases (gnomAD no frequency). This variant has not been reported in the literature in individuals affected with CDH2-related conditions. Variants that disrupt the consensus splice site are a relatively common cause of aberrant splicing (PMID: 17576681, 9536098). Algorithms developed to predict the effect of sequence changes on RNA splicing suggest that this variant is not likely to affect RNA splicing. In summary, the available evidence is currently insufficient to determine the role of this variant in disease. Therefore, it has been classified as a Variant of Uncertain Significance.

Literature cited by the submitters: PubMed 17576681; PubMed 9536098.